The following is an entry in ClinVar:

ClinVar aggregate classification (germline): Uncertain significance. Review status: criteria provided, multiple submitters, no conflicts (2 of 4 stars). 2 submissions from 2 submitters: Uncertain significance (2). Last evaluated 2025-08-03.

Conditions:
Brugada syndrome 4 (BRGDA4). Identifiers: Orphanet 130, MedGen C2678477, MONDO:0012743, OMIM 611876.
Cardiovascular phenotype. Identifiers: MedGen CN230736.

Allele frequency attached by ClinVar (database versions not stated): gnomAD exomes below 0.00001; gnomAD 0.00002; TOPMed 0.00002.
gnomAD v4.1: 8 of 1,613,780 alleles (0.0005%); highest among the groups gnomAD compares: Non-Finnish European, 0.00068%; no homozygotes.

Submissions (2):

Ambry Genetics
Classification: Uncertain significance for Cardiovascular phenotype. Last evaluated: 2025-08-03. Review status: criteria provided, single submitter. Criteria: Ambry Variant Classification Scheme 2023. Collection method: clinical testing. Allele origin: germline.
Comment: The p.E539D variant (also known as c.1617G>C), located in coding exon 13 of the CACNB2 gene, results from a G to C substitution at nucleotide position 1617. The glutamic acid at codon 539 is replaced by aspartic acid, an amino acid with highly similar properties. This amino acid position is conserved. In addition, this alteration is predicted to be tolerated by in silico analysis. Since supporting evidence is limited at this time, the clinical significance of this alteration remains unclear.

Labcorp Genetics (formerly Invitae), Labcorp
Classification: Uncertain significance for Brugada syndrome 4. Last evaluated: 2021-10-14. Review status: criteria provided, single submitter. Criteria: Invitae Variant Classification Sherloc (09022015). Collection method: clinical testing. Allele origin: germline.
Comment: In summary, the available evidence is currently insufficient to determine the role of this variant in disease. Therefore, it has been classified as a Variant of Uncertain Significance. Algorithms developed to predict the effect of missense changes on protein structure and function output the following: SIFT: "Tolerated"; PolyPhen-2: "Benign"; Align-GVGD: "Class C0". The aspartic acid amino acid residue is found in multiple mammalian species, which suggests that this missense change does not adversely affect protein function. This variant has not been reported in the literature in individuals affected with CACNB2-related conditions. This variant is not present in population databases (ExAC no frequency). This sequence change replaces glutamic acid with aspartic acid at codon 539 of the CACNB2 protein (p.Glu539Asp). The glutamic acid residue is moderately conserved and there is a small physicochemical difference between glutamic acid and aspartic acid.

NM_201596.3(CACNB2):c.1779G>C (p.Glu593Asp)

Gene: CACNB2 (calcium voltage-gated channel auxiliary subunit beta 2; plus strand). Cytogenetic location: 10p12.31.
Variant type: single nucleotide variant.
Coding change: c.1779G>C on transcript NM_201596.3 (MANE Select); coding-DNA position 1779, G replaced by C.
Protein change: p.Glu593Asp; replaces glutamic acid 593 with aspartic acid.
Molecular consequence: missense variant.
Genome position (GRCh38, 1-based): chr10:18,539,520, G>C. VCF-style: chr10-18539520-G-C. GRCh37 (hg19) VCF-style: chr10-18828449-G-C.
Other names: c.1614G>C, p.Glu538Asp (NM_000724.4); c.1581G>C, p.Glu527Asp (NM_001167945.2); c.1500G>C, p.Glu500Asp (NM_001330060.2); c.1635G>C, p.Glu545Asp (NM_201570.3); c.1695G>C, p.Glu565Asp (NM_201571.4); c.1623G>C, p.Glu541Asp (NM_201572.4); c.1617G>C, p.Glu539Asp (NM_201590.3); c.1665G>C, p.Glu555Asp (NM_201593.3); and 1 more; short protein forms E541D, E545D, E555D, E527D, E539D, E569D, E593D, E500D.
Identifiers: ClinVar variation 1436599 (VCV001436599.9), dbSNP rs1045331277, ClinGen allele CA203167312.